The following is an entry in ClinVar:

NM_005419.4(STAT2):c.1509G>T (p.Gln503His)

Gene: STAT2 (signal transducer and activator of transcription 2; minus strand). Cytogenetic location: 12q13.3.
Variant type: single nucleotide variant.
Coding change: c.1509G>T on transcript NM_005419.4 (MANE Select); coding-DNA position 1509, G replaced by T.
Protein change: p.Gln503His; replaces glutamine 503 with histidine.
Molecular consequence: missense variant.
Genome position (GRCh38, 1-based): chr12:56,348,991, C>A on the plus strand (G>T on the coding strand, the complement: STAT2 is on the minus strand). VCF-style: chr12-56348991-C-A. GRCh37 (hg19) VCF-style: chr12-56742775-C-A.
Other names: c.1488G>T, p.Gln496His (NM_001385114.1); c.1467G>T, p.Gln489His (NM_001385115.1); c.1497G>T, p.Gln499His (NM_198332.2); c.1509G>T (NM_005419.3); c.1476G>T, p.Gln492His (NM_001385110.1); c.1410G>T, p.Gln470His (NM_001385111.1); c.1509G>T, p.Gln503His (NM_001385113.1); short protein forms Q470H, Q489H, Q492H, Q496H, Q499H, Q503H.
Identifiers: ClinVar variation 1717708 (VCV001717708.6), dbSNP rs1877994236, ClinGen allele CA385260712.
Genomic context (GRCh38, chr12:56,348,991, plus strand): 5'-CTTGTTTCTCAGCATGCTCAGCTGGTCTGAGTTGAGGCCTCGGCCAACATAGGAGGAGAA[C>A]TGCCAACTGAGAGCAGGGCCCAGCAAGCTCCAGGGGGCCTTGGGGGGGTTGGAGAAGAAC-3'
Protein context (NP_005410.1, residues 493-513): WSLLGPALSW[Gln503His]FSSYVGRGLN

ClinVar aggregate classification (germline): Uncertain significance. Review status: criteria provided, multiple submitters, no conflicts (2 of 4 stars). 2 submissions from 2 submitters: Uncertain significance (2). Last evaluated 2023-12-04.

Conditions:
Inborn genetic diseases. Identifiers: MedGen C0950123, MeSH D030342.
Primary immunodeficiency with post-measles-mumps-rubella vaccine viral infection. Also called: Immunodeficiency 44. Identifiers: Orphanet 431166, MedGen C4225260, MONDO:0014715, OMIM 616636.

Submissions (2):

Ambry Genetics
Classification: Uncertain significance for Inborn genetic diseases. Last evaluated: 2023-12-04. Review status: criteria provided, single submitter. Criteria: Ambry Variant Classification Scheme 2023. Collection method: clinical testing. Allele origin: germline.

Labcorp Genetics (formerly Invitae), Labcorp
Classification: Uncertain significance for Primary immunodeficiency with post-measles-mumps-rubella vaccine viral infection. Last evaluated: 2022-08-22. Review status: criteria provided, single submitter. Criteria: Invitae Variant Classification Sherloc (09022015). Collection method: clinical testing. Allele origin: germline.
Comment: In summary, the available evidence is currently insufficient to determine the role of this variant in disease. Therefore, it has been classified as a Variant of Uncertain Significance. Advanced modeling of protein sequence and biophysical properties (such as structural, functional, and spatial information, amino acid conservation, physicochemical variation, residue mobility, and thermodynamic stability) performed at Invitae indicates that this missense variant is expected to disrupt STAT2 protein function. This variant has not been reported in the literature in individuals affected with STAT2-related conditions. This variant is not present in population databases (gnomAD no frequency). This sequence change replaces glutamine, which is neutral and polar, with histidine, which is basic and polar, at codon 503 of the STAT2 protein (p.Gln503His).